The following is an entry in ClinVar:

ClinVar aggregate classification (germline): Benign/Likely benign. Review status: criteria provided, multiple submitters, no conflicts (2 of 4 stars). 4 submissions from 4 submitters: Benign (2); Likely benign (2). Last evaluated 2026-02-01.

Allele frequency attached by ClinVar (database versions not stated): TOPMed 0.00077; gnomAD 0.00111 and 0.00120; gnomAD exomes 0.00115 and 0.00161; ExAC 0.00127; ESP Exome Variant Server 0.00146.
gnomAD v4.1: 2,462 of 1,590,550 alleles (0.15%); highest among the groups gnomAD compares: Non-Finnish European, 0.18%; 4 homozygotes.

Submissions (4):

Labcorp Genetics (formerly Invitae), Labcorp
Classification: Benign. Last evaluated: 2026-02-01. Review status: criteria provided, single submitter. Criteria: Invitae Variant Classification Sherloc (09022015). Collection method: clinical testing. Allele origin: germline.

Mayo Clinic Laboratories, Mayo Clinic
Classification: Benign. Last evaluated: 2025-02-27. Review status: criteria provided, single submitter. Criteria: ACMG Guidelines, 2015. Collection method: clinical testing. Allele origin: germline. Observed: 2 variant alleles.
Comment: BS1, BS2, BP4, BP7

Blueprint Genetics
Classification: Likely benign. Last evaluated: 2024-10-30. Review status: criteria provided, single submitter. Criteria: ACMG Guidelines, 2015. Collection method: clinical testing. Allele origin: germline.

CeGaT Center for Human Genetics Tuebingen
Classification: Likely benign. Last evaluated: 2023-05-01. Review status: criteria provided, single submitter. Criteria: CeGaT Center For Human Genetics Tuebingen Variant Classification Criteria Version 2. Collection method: clinical testing. Allele origin: germline. Affected: yes. Observed: 3 variant alleles.
Comment: POGLUT1: BP4, BP7

NM_152305.3(POGLUT1):c.1176A>G (p.Leu392=)

Gene: POGLUT1 (protein O-glucosyltransferase 1; plus strand). Cytogenetic location: 3q13.33.
Variant type: single nucleotide variant.
Coding change: c.1176A>G on transcript NM_152305.3 (MANE Select); coding-DNA position 1176, A replaced by G.
Protein change: p.Leu392=; no amino-acid change (leucine 392 retained).
Molecular consequence: synonymous variant. On other transcripts: non-coding transcript variant (1).
Genome position (GRCh38, 1-based): chr3:119,492,435, A>G. VCF-style: chr3-119492435-A-G. GRCh37 (hg19) VCF-style: chr3-119211282-A-G.
Other names: p.Leu392=.
Identifiers: ClinVar variation 1170562 (VCV001170562.35), dbSNP rs140466845, ClinGen allele CA2555063.